The following is an entry in ClinVar:

NM_004380.3(CREBBP):c.381TTC[1] (p.Ser129del)

Gene: CREBBP (CREB binding lysine acetyltransferase; minus strand). Cytogenetic location: 16p13.3.
Variant type: Microsatellite.
Coding change: c.381TTC[1] on transcript NM_004380.3 (MANE Select); one copy of the 3-base unit TTC starting at c.381; the reference has two copies in a row; one copy, 3 bases deleted.
Protein change: p.Ser129del; deletes serine 129.
Molecular consequence: inframe deletion.
Genome position (GRCh38, 1-based): chr16:3,850,709-3,850,711, GAA deleted on the plus strand (TTC on the coding strand, the reverse complement: CREBBP is on the minus strand); deleting any 3 consecutive bases within chr16:3,850,709-3,850,714 gives the same sequence; the position shown is the placement nearest the transcript's 3' end. VCF-style (leftmost placement, unchanged base first): chr16-3850708-TGAA-T. GRCh37 (hg19) VCF-style: chr16-3900709-TGAA-T.
Other names: c.381TTC[1], p.Ser129del (NM_001079846.1); short protein forms S129del.
Identifiers: ClinVar variation 2019818 (VCV002019818.4), dbSNP rs2548545752, ClinGen allele CA2580613413.
Genomic context (GRCh38, chr16:3,850,708, plus strand): 5'-TTGGGAGGCAGCGGGGGTGGGCCCAGAGGTGCTGGCTGCCTGTTTAGGCAGGCTGGGGGC[TGAA>T]GAATCTCCCTGGCTCAGAGGGCTCTTGCCCATGGCACTGAGGCTGGCCATGTTAGCACTG-3'

ClinVar aggregate classification (germline): Uncertain significance (1 of 4 stars; one submission).

Conditions:
Rubinstein-Taybi syndrome (RSTS). Identifiers: Orphanet 783, MedGen C0035934, MONDO:0019188.

Submission:

Labcorp Genetics (formerly Invitae), Labcorp
Classification: Uncertain significance for Rubinstein-Taybi syndrome. Last evaluated: 2025-06-12. Review status: criteria provided, single submitter. Criteria: Invitae Variant Classification Sherloc (09022015). Collection method: clinical testing. Allele origin: germline.
Comment: This variant, c.384_386del, results in the deletion of 1 amino acid(s) of the CREBBP protein (p.Ser129del), but otherwise preserves the integrity of the reading frame. This variant is not present in population databases (gnomAD no frequency). This variant has not been reported in the literature in individuals affected with CREBBP-related conditions. Experimental studies and prediction algorithms are not available or were not evaluated, and the functional significance of this variant is currently unknown. In summary, the available evidence is currently insufficient to determine the role of this variant in disease. Therefore, it has been classified as a Variant of Uncertain Significance.